The following is an entry in ClinVar:

ClinVar aggregate classification (germline): Uncertain significance (1 of 4 stars; one submission).

Conditions:
Hereditary cancer-predisposing syndrome. Also called: Hereditary Cancer Syndrome; Hereditary neoplastic syndrome; Neoplastic Syndromes, Hereditary; Tumor predisposition. Identifiers: Orphanet 140162, MedGen C0027672, MeSH D009386, MONDO:0015356.

Submission:

Ambry Genetics
Classification: Uncertain significance for Hereditary cancer-predisposing syndrome. Last evaluated: 2021-12-20. Review status: criteria provided, single submitter. Criteria: Ambry Variant Classification Scheme 2023. Collection method: clinical testing. Allele origin: germline.
Comment: The p.Q4H variant (also known as c.12G>T), located in coding exon 1 of the MSH6 gene, results from a G to T substitution at nucleotide position 12. The glutamine at codon 4 is replaced by histidine, an amino acid with highly similar properties. This amino acid position is highly conserved in available vertebrate species. In addition, the in silico prediction for this alteration is inconclusive. Since supporting evidence is limited at this time, the clinical significance of this alteration remains unclear.

NM_000179.3(MSH6):c.12G>T (p.Gln4His)

Gene: MSH6 (mutS homolog 6; plus strand). Cytogenetic location: 2p16.3.
Variant type: single nucleotide variant.
Coding change: c.12G>T on transcript NM_000179.3 (MANE Select); coding-DNA position 12, G replaced by T.
Protein change: p.Gln4His; replaces glutamine 4 with histidine.
Molecular consequence: missense variant. On other transcripts: 5 prime UTR variant (1).
Genome position (GRCh38, 1-based): chr2:47,783,245, G>T. VCF-style: chr2-47783245-G-T. GRCh37 (hg19) VCF-style: chr2-48010384-G-T.
Other names: c.12G>T, p.Gln4His (NM_001281492.2, NM_001406795.1, NM_001406796.1 and 9 more transcripts); c.-725G>T (NM_001281493.2, NM_001406811.1); c.-317G>T (NM_001406799.1); c.-44G>T (NM_001406804.1); c.-917G>T (NM_001406807.1); c.-572G>T (NM_001406812.1); c.-983G>T (NM_001406814.1); c.-528G>T (NM_001406816.1); short protein forms Q4H.
Identifiers: ClinVar variation 1769379 (VCV001769379.2), dbSNP rs1558644700, ClinGen allele CA346734480.